The following is an entry in ClinVar:

NM_003611.3(OFD1):c.2672G>A (p.Arg891Lys)

Gene: OFD1 (OFD1 centriole and centriolar satellite protein; plus strand). Cytogenetic location: Xp22.2.
Variant type: single nucleotide variant.
Coding change: c.2672G>A on transcript NM_003611.3 (MANE Select); coding-DNA position 2672, G replaced by A.
Protein change: p.Arg891Lys; replaces arginine 891 with lysine.
Molecular consequence: missense variant.
Genome position (GRCh38, 1-based): chrX:13,767,199, G>A. VCF-style: chrX-13767199-G-A. GRCh37 (hg19) VCF-style: chrX-13785318-G-A.
Other names: c.2672G>A (NM_003611.2); c.2552G>A, p.Arg851Lys (NM_001330209.2); c.2252G>A, p.Arg751Lys (NM_001330210.2); short protein forms R751K, R851K, R891K.
Identifiers: ClinVar variation 1911357 (VCV001911357.7), dbSNP rs769469366, ClinGen allele CA10352062.

ClinVar aggregate classification (germline): Conflicting classifications of pathogenicity. Review status: criteria provided, conflicting classifications (1 of 4 stars). 3 submissions from 3 submitters: Uncertain significance (2); Likely benign (1). Last evaluated 2024-09-08.

Conditions:
Primary ciliary dyskinesia. Also called: Ciliary dyskinesia. Identifiers: Orphanet 244, MedGen C0008780, MONDO:0016575, HP:0012265.
Orofaciodigital syndrome I (OFD1). Also called: Papillon-Leage and Psaume Syndrome; Oral-Facial-Digital Syndrome Type I; OFDS I. Identifiers: Orphanet 2750, MedGen C1510460, MONDO:0010702, OMIM 311200.
Joubert syndrome. Also called: JOUBERT-BOLTSHAUSER SYNDROME; Familial aplasia of the vermis. Identifiers: Orphanet 475, MedGen C5979921, MONDO:0018772.
Simpson-Golabi-Behmel syndrome type 2. Identifiers: Orphanet 79022, MedGen C1846175, MONDO:0010265, OMIM 300209.
Retinitis pigmentosa 23 (RP23). Identifiers: Orphanet 791, MedGen C1419610, MONDO:0010320, OMIM 300424.
Joubert syndrome 10 (JBTS10). Identifiers: Orphanet 2754, MedGen C2749019, MONDO:0010431, OMIM 300804.

Allele frequency attached by ClinVar (database versions not stated): gnomAD exomes below 0.00001; TOPMed below 0.00001; ExAC 0.00001; gnomAD 0.00001.
gnomAD v4.1: 5 of 1,208,625 alleles (0.00041%); highest among the groups gnomAD compares: East Asian, 0.012%; no homozygotes.

Submissions (3):

Ambry Genetics
Classification: Likely benign for Primary ciliary dyskinesia. Last evaluated: 2024-09-08. Review status: criteria provided, single submitter. Criteria: Ambry Variant Classification Scheme 2023. Collection method: clinical testing. Allele origin: germline.

Fulgent Genetics
Classification: Uncertain significance for Simpson-Golabi-Behmel syndrome type 2; Retinitis pigmentosa 23; Joubert syndrome 10; Orofaciodigital syndrome I. Last evaluated: 2024-02-06. Review status: criteria provided, single submitter. Criteria: ACMG Guidelines, 2015. Collection method: clinical testing. Allele origin: germline.

Labcorp Genetics (formerly Invitae), Labcorp
Classification: Uncertain significance for Orofaciodigital syndrome I; Joubert syndrome. Last evaluated: 2023-12-09. Review status: criteria provided, single submitter. Criteria: Invitae Variant Classification Sherloc (09022015). Collection method: clinical testing. Allele origin: germline.
Comment: This sequence change replaces arginine, which is basic and polar, with lysine, which is basic and polar, at codon 891 of the OFD1 protein (p.Arg891Lys). This variant is present in population databases (rs769469366, gnomAD 0.008%). This variant has not been reported in the literature in individuals affected with OFD1-related conditions. ClinVar contains an entry for this variant (Variation ID: 1911357). Advanced modeling of protein sequence and biophysical properties (such as structural, functional, and spatial information, amino acid conservation, physicochemical variation, residue mobility, and thermodynamic stability) performed at Invitae indicates that this missense variant is not expected to disrupt OFD1 protein function with a negative predictive value of 80%. In summary, the available evidence is currently insufficient to determine the role of this variant in disease. Therefore, it has been classified as a Variant of Uncertain Significance.